The following is an entry in ClinVar:

ClinVar aggregate classification (germline): Benign. Review status: criteria provided, multiple submitters, no conflicts (2 of 4 stars). 2 submissions from 2 submitters: Benign (2). Last evaluated 2022-11-01.

Conditions:
Ectodermal dysplasia and immunodeficiency 2. Identifiers: Orphanet 238468, Orphanet 98813, MedGen C2677481, MONDO:0012806, OMIM 612132.

Allele frequency attached by ClinVar (database versions not stated): ExAC below 0.00001; 1000 Genomes Project 30x 0.00031; 1000 Genomes Project 0.00040; gnomAD 0.00066 and 0.00067; TOPMed 0.00077; gnomAD exomes 0.00118.

Submissions (2):

CeGaT Center for Human Genetics Tuebingen
Classification: Benign. Last evaluated: 2022-11-01. Review status: criteria provided, single submitter. Criteria: CeGaT Center For Human Genetics Tuebingen Variant Classification Criteria Version 2. Collection method: clinical testing. Allele origin: germline. Affected: yes. Observed: 1 variant allele.
Comment: NFKBIA: BS1, BS2

Illumina Laboratory Services, Illumina
Classification: Benign for Ectodermal dysplasia and immunodeficiency 2. Last evaluated: 2018-01-12. Review status: criteria provided, single submitter. Criteria: ICSL Variant Classification Criteria 13 December 2019. Collection method: clinical testing. Allele origin: germline.
Comment: This variant was observed in the ICSL laboratory as part of a predisposition screen in an ostensibly healthy population. It had not been previously curated by ICSL or reported in the Human Gene Mutation Database (HGMD: prior to June 1st, 2018), and was therefore a candidate for classification through an automated scoring system. Utilizing variant allele frequency, disease prevalence and penetrance estimates, and inheritance mode, an automated score was calculated to assess if this variant is too frequent to cause the disease. Based on the score and internal cut-off values, a variant classified as benign is not then subjected to further curation. The score for this variant resulted in a classification of benign for this disease.

NM_020529.3(NFKBIA):c.-41G>A

Genes: NFKBIA (NFKB inhibitor alpha; minus strand), LOC130055497 (ATAC-STARR-seq lymphoblastoid silent region 5676; plus strand). Cytogenetic location: 14q13.2.
Variant type: single nucleotide variant.
Coding change: c.-41G>A on transcript NM_020529.3 (MANE Select); 41 bases upstream of the start codon, G replaced by A.
Molecular consequence: 5 prime UTR variant.
Genome position (GRCh38, 1-based): chr14:35,404,685, C>T on the plus strand (G>A on the coding strand, the complement: NFKBIA is on the minus strand). VCF-style: chr14-35404685-C-T. GRCh37 (hg19) VCF-style: chr14-35873891-C-T.
Identifiers: ClinVar variation 883036 (VCV000883036.28), dbSNP rs540282095, ClinGen allele CA7155618.
Genomic context (GRCh38, chr14:35,404,685, plus strand): 5'-CGCTCGGCCGCCTGGAACATGGCGCGGACGAGCTGCGGGCGCTGCTGCGGGTGCGCTGGG[C>T]CGCGGGCTGCGCGCTGCTTCCTCGCTGGGGCGCTGGCGGGCGGGACGGCGGCACGGACTG-3'